The following is an entry in ClinVar:

ClinVar aggregate classification (germline): Uncertain significance. Review status: criteria provided, multiple submitters, no conflicts (2 of 4 stars). 3 submissions from 3 submitters: Uncertain significance (3). Last evaluated 2026-01-27.

Conditions:
Imerslund-Grasbeck syndrome type 1 (IGS1). Also called: Megaloblastic anemia 1, Finnish type; MEGALOBLASTIC ANEMIA, 1; Imerslund-Gräsbeck syndrome 1. Identifiers: MedGen C4016819, MONDO:0100156, OMIM 261100.
Proteinuria, chronic benign. Identifiers: MedGen C5394384, MONDO:0030042, OMIM 618884.
Imerslund-Grasbeck syndrome. Also called: ENTEROCYTE COBALAMIN MALABSORPTION; ENTEROCYTE INTRINSIC FACTOR RECEPTOR, DEFECT OF; PERNICIOUS ANEMIA, JUVENILE, DUE TO SELECTIVE INTESTINAL MALABSORPTION OF VITAMIN B12, WITH PROTEINURIA; Megaloblastic anemia due to inborn errors of metabolism; Imerslund-Gräsbeck syndrome. Identifiers: Orphanet 35858, MedGen C4551825, MONDO:0009853.
Inborn genetic diseases. Identifiers: MedGen C0950123, MeSH D030342.

Allele frequency attached by ClinVar (database versions not stated): ESP Exome Variant Server 0.00008; TOPMed 0.00010; gnomAD 0.00007; gnomAD exomes 0.00007; ExAC 0.00010.
gnomAD v4.1: 114 of 1,613,734 alleles (0.0071%); highest among the groups gnomAD compares: Middle Eastern, 0.034%; no homozygotes.

Submissions (3):

Labcorp Genetics (formerly Invitae), Labcorp
Classification: Uncertain significance for Imerslund-Grasbeck syndrome. Last evaluated: 2026-01-27. Review status: criteria provided, single submitter. Criteria: Invitae Variant Classification Sherloc (09022015). Collection method: clinical testing. Allele origin: germline.
Comment: This sequence change replaces threonine, which is neutral and polar, with methionine, which is neutral and non-polar, at codon 1984 of the CUBN protein (p.Thr1984Met). This variant is present in population databases (rs150924438, gnomAD 0.03%). This variant has not been reported in the literature in individuals affected with CUBN-related conditions. ClinVar contains an entry for this variant (Variation ID: 2397431). Invitae Evidence Modeling of protein sequence and biophysical properties (such as structural, functional, and spatial information, amino acid conservation, physicochemical variation, residue mobility, and thermodynamic stability) indicates that this missense variant is expected to disrupt CUBN protein function with a positive predictive value of 80%. In summary, the available evidence is currently insufficient to determine the role of this variant in disease. Therefore, it has been classified as a Variant of Uncertain Significance.

Fulgent Genetics
Classification: Uncertain significance for Imerslund-Grasbeck syndrome type 1; Proteinuria, chronic benign. Last evaluated: 2024-05-16. Review status: criteria provided, single submitter. Criteria: ACMG Guidelines, 2015. Collection method: clinical testing. Allele origin: germline.

Ambry Genetics
Classification: Uncertain significance for Inborn genetic diseases. Last evaluated: 2021-10-12. Review status: criteria provided, single submitter. Criteria: Ambry Variant Classification Scheme 2023. Collection method: clinical testing. Allele origin: germline.

NM_001081.4(CUBN):c.5951C>T (p.Thr1984Met)

Gene: CUBN (cubilin; minus strand). Cytogenetic location: 10p13.
Variant type: single nucleotide variant.
Coding change: c.5951C>T on transcript NM_001081.4 (MANE Select); coding-DNA position 5951, C replaced by T.
Protein change: p.Thr1984Met; replaces threonine 1984 with methionine.
Molecular consequence: missense variant.
Genome position (GRCh38, 1-based): chr10:16,933,260, G>A on the plus strand (C>T on the coding strand, the complement: CUBN is on the minus strand). VCF-style: chr10-16933260-G-A. GRCh37 (hg19) VCF-style: chr10-16975259-G-A.
Other names: short protein forms T1984M.
Identifiers: ClinVar variation 2397431 (VCV002397431.5), dbSNP rs150924438, ClinGen allele CA5423847.